The following is an entry in ClinVar:

ClinVar aggregate classification (germline): Likely pathogenic (1 of 4 stars; one submission).

Conditions:
Gorlin syndrome. Also called: Basal cell nevus syndrome; Nevoid Basal Cell Carcinoma Syndrome. Identifiers: Orphanet 377, MedGen C0004779, MONDO:0007187.

Submission:

Labcorp Genetics (formerly Invitae), Labcorp
Classification: Likely pathogenic for Gorlin syndrome. Last evaluated: 2022-09-04. Review status: criteria provided, single submitter. Criteria: Invitae Variant Classification Sherloc (09022015). Collection method: clinical testing. Allele origin: germline.
Comment: This variant is not present in population databases (gnomAD no frequency). In summary, the currently available evidence indicates that the variant is pathogenic, but additional data are needed to prove that conclusively. Therefore, this variant has been classified as Likely Pathogenic. Algorithms developed to predict the effect of sequence changes on RNA splicing suggest that this variant may disrupt the consensus splice site. This variant has not been reported in the literature in individuals affected with PTCH1-related conditions. This variant results in the deletion of part of exon 16 (c.2702_2703+4del) of the PTCH1 gene. It is expected to disrupt RNA splicing. Variants that disrupt the donor or acceptor splice site typically lead to a loss of protein function (PMID: 16199547), and loss-of-function variants in PTCH1 are known to be pathogenic (PMID: 16301862, 16419085).

Literature cited by the submitters: PubMed 16199547; PubMed 16301862; PubMed 16419085.

NM_000264.5(PTCH1):c.2702_2703+4del

Gene: PTCH1 (patched 1; minus strand). Cytogenetic location: 9q22.32.
Variant type: Deletion.
Coding change: c.2702_2703+4del on transcript NM_000264.5 (MANE Select); coding-DNA position 2702 through 4 bases into the intron after coding-DNA position 2703, 6 bases deleted (AGGTAC; older notation c.2702_2703+4delAGGTAC).
Molecular consequence: splice donor variant.
Genome position (GRCh38, 1-based): chr9:95,461,852-95,461,857, GTACCT deleted on the plus strand (AGGTAC on the coding strand, the reverse complement: PTCH1 is on the minus strand); deleting any 6 consecutive bases within chr9:95,461,852-95,461,858 gives the same sequence; the c. name uses the placement nearest the transcript's 3' end. VCF-style (leftmost placement, unchanged base first): chr9-95461851-AGTACCT-A. GRCh37 (hg19) VCF-style: chr9-98224133-AGTACCT-A.
Other names: c.2699_2700+4del (NM_001083603.3); c.2504_2505+4del (NM_001083602.3); c.2546_2547+4del (NM_001354918.2); c.2249_2250+4del (NM_001083605.3, NM_001083604.3, NM_001083606.3 and 1 more transcripts).
Identifiers: ClinVar variation 2028953 (VCV002028953.4), dbSNP rs2538093466, ClinGen allele CA2580080795.